The following is an entry in ClinVar:

ClinVar aggregate classification (germline): Uncertain significance (1 of 4 stars; one submission).

Conditions:
Charcot-Marie-Tooth disease type 4. Also called: Charcot-Marie-Tooth, Type 4; Charcot-Marie-Tooth disease, type IV. Identifiers: Orphanet 64749, MedGen C4082197, MONDO:0018995.

Allele frequency attached by ClinVar (database versions not stated): ESP Exome Variant Server 0.00008.

Submission:

Labcorp Genetics (formerly Invitae), Labcorp
Classification: Uncertain significance for Charcot-Marie-Tooth disease type 4. Last evaluated: 2021-09-25. Review status: criteria provided, single submitter. Criteria: Invitae Variant Classification Sherloc (09022015). Collection method: clinical testing. Allele origin: germline.
Comment: In summary, the available evidence is currently insufficient to determine the role of this variant in disease. Therefore, it has been classified as a Variant of Uncertain Significance. Algorithms developed to predict the effect of missense changes on protein structure and function are either unavailable or do not agree on the potential impact of this missense change (SIFT: "Deleterious"; PolyPhen-2: "Probably Damaging"; Align-GVGD: "Class C0"). This variant has not been reported in the literature in individuals affected with PRX-related conditions. This variant is not present in population databases (ExAC no frequency). This sequence change replaces glycine with aspartic acid at codon 884 of the PRX protein (p.Gly884Asp). The glycine residue is moderately conserved and there is a moderate physicochemical difference between glycine and aspartic acid.

NM_181882.3(PRX):c.2651G>A (p.Gly884Asp)

Gene: PRX (periaxin; minus strand). Cytogenetic location: 19q13.2.
Variant type: single nucleotide variant.
Coding change: c.2651G>A on transcript NM_181882.3 (MANE Select); coding-DNA position 2651, G replaced by A.
Protein change: p.Gly884Asp; replaces glycine 884 with aspartic acid.
Molecular consequence: missense variant. On other transcripts: 3 prime UTR variant (1).
Genome position (GRCh38, 1-based): chr19:40,395,701, C>T on the plus strand (G>A on the coding strand, the complement: PRX is on the minus strand). VCF-style: chr19-40395701-C-T. GRCh37 (hg19) VCF-style: chr19-40901608-C-T.
Other names: c.*2856G>A (NM_020956.2); short protein forms G884D.
Identifiers: ClinVar variation 410605 (VCV000410605.6), dbSNP rs139005780, ClinGen allele CA16616260.